The following is an entry in ClinVar:

NM_007294.4(BRCA1):c.4521G>T (p.Arg1507Ser)

Gene: BRCA1 (BRCA1 DNA repair associated; minus strand). Cytogenetic location: 17q21.31.
Variant type: single nucleotide variant.
Coding change: c.4521G>T on transcript NM_007294.4 (MANE Select); coding-DNA position 4521, G replaced by T.
Protein change: p.Arg1507Ser; replaces arginine 1507 with serine.
Molecular consequence: missense variant. On other transcripts: non-coding transcript variant (1).
Genome position (GRCh38, 1-based): chr17:43,074,485, C>A on the plus strand (G>T on the coding strand, the complement: BRCA1 is on the minus strand). VCF-style: chr17-43074485-C-A. GRCh37 (hg19) VCF-style: chr17-41226502-C-A.
Other names: c.4308G>T, p.Arg1436Ser (NM_001407571.1, NM_001407894.1, NM_001407895.1 and 12 more transcripts); c.4587G>T, p.Arg1529Ser (NM_001407581.1, NM_001407582.1); c.4584G>T, p.Arg1528Ser (NM_001407583.1, NM_001407585.1, NM_001407587.1 and 1 more transcripts); c.4581G>T, p.Arg1527Ser (NM_001407590.1, NM_001407591.1); c.4521G>T, p.Arg1507Ser (NM_001407593.1, NM_001407594.1, NM_001407596.1 and 8 more transcripts); c.4518G>T, p.Arg1506Ser (NM_001407610.1, NM_001407611.1, NM_001407612.1 and 17 more transcripts); c.4515G>T, p.Arg1505Ser (NM_001407627.1, NM_001407628.1, NM_001407629.1 and 14 more transcripts); c.4512G>T, p.Arg1504Ser (NM_001407644.1, NM_001407645.1); and 68 more; short protein forms R1460S, R1507S, R1528S, R403S, R1338S, R1435S, R1463S, R1464S.
Identifiers: ClinVar variation 951707 (VCV000951707.13), dbSNP rs1435385135, ClinGen allele CA10592482.

ClinVar aggregate classification (germline): Uncertain significance. Review status: criteria provided, multiple submitters, no conflicts (2 of 4 stars). 2 submissions from 2 submitters: Uncertain significance (2). Last evaluated 2024-02-23.

Conditions:
Hereditary breast ovarian cancer syndrome. Also called: Hereditary breast and ovarian cancer; Hereditary breast and/or ovarian cancer syndrome; Hereditary breast and ovarian cancer syndrome; Hereditary breast and ovarian cancer syndrome (HBOC); BRCA1- and BRCA2-Associated Hereditary Breast and Ovarian Cancer; Breast and ovarian cancer. Identifiers: Orphanet 145, MedGen C0677776, MeSH D061325, MONDO:0003582. Disease mechanism: loss of function.
Hereditary cancer-predisposing syndrome. Also called: Tumor predisposition; Hereditary neoplastic syndrome; Neoplastic Syndromes, Hereditary; Hereditary Cancer Syndrome. Identifiers: Orphanet 140162, MedGen C0027672, MeSH D009386, MONDO:0015356.

Submissions (2):

Labcorp Genetics (formerly Invitae), Labcorp
Classification: Uncertain significance for Hereditary breast ovarian cancer syndrome. Last evaluated: 2024-02-23. Review status: criteria provided, single submitter. Criteria: Invitae Variant Classification Sherloc (09022015). Collection method: clinical testing. Allele origin: germline.
Comment: This sequence change replaces arginine, which is basic and polar, with serine, which is neutral and polar, at codon 1507 of the BRCA1 protein (p.Arg1507Ser). This variant is not present in population databases (gnomAD no frequency). This variant has not been reported in the literature in individuals affected with BRCA1-related conditions. ClinVar contains an entry for this variant (Variation ID: 951707). Advanced modeling of protein sequence and biophysical properties (such as structural, functional, and spatial information, amino acid conservation, physicochemical variation, residue mobility, and thermodynamic stability) performed at Invitae indicates that this missense variant is not expected to disrupt BRCA1 protein function with a negative predictive value of 95%. In summary, the available evidence is currently insufficient to determine the role of this variant in disease. Therefore, it has been classified as a Variant of Uncertain Significance.

Ambry Genetics
Classification: Uncertain significance for Hereditary cancer-predisposing syndrome. Last evaluated: 2022-04-20. Review status: criteria provided, single submitter. Criteria: Ambry Variant Classification Scheme 2023. Collection method: clinical testing. Allele origin: germline.
Comment: The p.R1507S variant (also known as c.4521G>T), located in coding exon 13 of the BRCA1 gene, results from a G to T substitution at nucleotide position 4521. The arginine at codon 1507 is replaced by serine, an amino acid with dissimilar properties. This amino acid position is not well conserved in available vertebrate species. In addition, the in silico prediction for this alteration is inconclusive. Since supporting evidence is limited at this time, the clinical significance of this alteration remains unclear.